The following is an entry in ClinVar:

NM_000310.4(PPT1):c.*1061C>T

Gene: PPT1 (palmitoyl-protein thioesterase 1; minus strand). Cytogenetic location: 1p34.2.
Variant type: single nucleotide variant.
Coding change: c.*1061C>T on transcript NM_000310.4 (MANE Select); 1061 bases downstream of the stop codon, C replaced by T.
Molecular consequence: 3 prime UTR variant.
Genome position (GRCh38, 1-based): chr1:40,073,000, G>A on the plus strand (C>T on the coding strand, the complement: PPT1 is on the minus strand). VCF-style: chr1-40073000-G-A. GRCh37 (hg19) VCF-style: chr1-40538672-G-A.
Other names: c.*1061C>T (NM_001142604.2, NM_001363695.2).
Identifiers: ClinVar variation 874944 (VCV000874944.4), dbSNP rs140459014, ClinGen allele CA20997820.
Genomic context (GRCh38, chr1:40,073,000, plus strand): 5'-TTTTCACAGAGTGGGGACTATGATTTCCATGCTCAAATAGTGTAGGAAATGGTAGATTAC[G>A]TTAGTTTTGTTTACTGTAACAGGAATTCTCAGGAGTCCTTAGACACTCTAATGTGGGTTG-3'

ClinVar aggregate classification (germline): Likely benign (1 of 4 stars; one submission).

Conditions:
Neuronal ceroid lipofuscinosis 1 (CLN1). Also called: CEROID LIPOFUSCINOSIS, NEURONAL, 1, VARIABLE AGE AT ONSET; PPT1-Related Neuronal Ceroid-Lipofuscinosis. Identifiers: Orphanet 228329, MedGen C1850451, MONDO:0009744, OMIM 256730.

Allele frequency attached by ClinVar (database versions not stated): gnomAD 0.00170 and 0.00173; TOPMed 0.00179; 1000 Genomes Project 30x 0.00312; 1000 Genomes Project 0.00319.

Submission:

Illumina Laboratory Services, Illumina
Classification: Likely benign for Neuronal ceroid lipofuscinosis 1. Last evaluated: 2018-01-13. Review status: criteria provided, single submitter. Criteria: ICSL Variant Classification Criteria 13 December 2019. Collection method: clinical testing. Allele origin: germline.
Comment: This variant was observed in the ICSL laboratory as part of a predisposition screen in an ostensibly healthy population. It had not been previously curated by ICSL or reported in the Human Gene Mutation Database (HGMD: prior to June 1st, 2018), and was therefore a candidate for classification through an automated scoring system. Utilizing variant allele frequency, disease prevalence and penetrance estimates, and inheritance mode, an automated score was calculated to assess if this variant is too frequent to cause the disease. Based on the score and internal cut-off values, a variant classified as likely benign is not then subjected to further curation. The score for this variant resulted in a classification of likely benign for this disease.